The following is an entry in ClinVar:

ClinVar aggregate classification (germline): Pathogenic (1 of 4 stars; one submission).

Conditions:
Developmental and epileptic encephalopathy, 9 (DEE9). Also called: Early infantile epileptic encephalopathy 9; JUBERG-HELLMAN SYNDROME; PCDH19-Related X-Linked Female-Limited Epilepsy with Mental Retardation; EPILEPSY, FEMALE-RESTRICTED, WITH MENTAL RETARDATION. Identifiers: Orphanet 101039, Orphanet 2076, MedGen C1848137, MONDO:0010246, OMIM 300088. Disease mechanism: loss of function.

Submission:

Labcorp Genetics (formerly Invitae), Labcorp
Classification: Pathogenic for Developmental and epileptic encephalopathy, 9. Last evaluated: 2020-10-08. Review status: criteria provided, single submitter. Criteria: Invitae Variant Classification Sherloc (09022015). Collection method: clinical testing. Allele origin: germline.
Comment: This variant has not been reported in the literature in individuals with PCDH19-related conditions. This variant is not present in population databases (ExAC no frequency). This sequence change creates a premature translational stop signal (p.Asn557Lysfs*12) in the PCDH19 gene. It is expected to result in an absent or disrupted protein product. Loss-of-function variants in PCDH19 are known to be pathogenic (PMID: 21053371). For these reasons, this variant has been classified as Pathogenic.

Literature cited by the submitters: PubMed 21053371.

NM_001184880.2(PCDH19):c.1671del (p.Asn557fs)

Gene: PCDH19 (protocadherin 19; minus strand). Cytogenetic location: Xq22.1.
Variant type: Deletion.
Coding change: c.1671del on transcript NM_001184880.2 (MANE Select); coding-DNA position 1671, one base deleted (C; older notation c.1671delC).
Protein change: p.Asn557fs; shifts the reading frame from asparagine 557.
Molecular consequence: frameshift variant.
Genome position (GRCh38, 1-based): chrX:100,406,927, G deleted on the plus strand (C on the coding strand, the reverse complement: PCDH19 is on the minus strand). VCF-style (leftmost placement, unchanged base first): chrX-100406926-CG-C. GRCh37 (hg19) VCF-style: chrX-99661924-CG-C.
Other names: c.1671del, p.Asn557fs (NM_001105243.2, NM_020766.3); short protein forms N557fs.
Identifiers: ClinVar variation 1069328 (VCV001069328.7), dbSNP rs2147538169, ClinGen allele CA2499226252.